The following is an entry in ClinVar:

ClinVar aggregate classification (germline): Benign/Likely benign. Review status: criteria provided, multiple submitters, no conflicts (2 of 4 stars). 2 submissions from 2 submitters: Benign (1); Likely benign (1). Last evaluated 2025-10-27.

Conditions:
Mowat-Wilson syndrome (MOWS). Also called: Classic Mowat-Wilson Syndrome. Identifiers: Orphanet 2152, MedGen C1856113, MONDO:0009341, OMIM 235730.

Allele frequency attached by ClinVar (database versions not stated): gnomAD below 0.00001 and 0.00001; gnomAD exomes below 0.00001 and 0.00001; ExAC 0.00001.
gnomAD v4.1: 17 of 1,613,462 alleles (0.0011%); highest among the groups gnomAD compares: South Asian, 0.014%; no homozygotes.

Submissions (2):

Labcorp Genetics (formerly Invitae), Labcorp
Classification: Benign for Mowat-Wilson syndrome. Last evaluated: 2025-10-27. Review status: criteria provided, single submitter. Criteria: Invitae Variant Classification Sherloc (09022015). Collection method: clinical testing. Allele origin: germline.

GeneDx
Classification: Likely benign. Last evaluated: 2014-01-27. Review status: criteria provided, single submitter. Criteria: GeneDx Variant Classification (06012015). Collection method: clinical testing. Allele origin: germline. Affected: yes.
Comment: This variant is considered likely benign or benign based on one or more of the following criteria: it is a conservative change, it occurs at a poorly conserved position in the protein, it is predicted to be benign by multiple in silico algorithms, and/or has population frequency not consistent with disease.

NM_014795.4(ZEB2):c.3201G>A (p.Ser1067=)

Gene: ZEB2 (zinc finger E-box binding homeobox 2; minus strand). Cytogenetic location: 2q22.3.
Variant type: single nucleotide variant.
Coding change: c.3201G>A on transcript NM_014795.4 (MANE Select); coding-DNA position 3201, G replaced by A.
Protein change: p.Ser1067=; no amino-acid change (serine 1067 retained).
Molecular consequence: synonymous variant.
Genome position (GRCh38, 1-based): chr2:144,389,895, C>T on the plus strand (G>A on the coding strand, the complement: ZEB2 is on the minus strand). VCF-style: chr2-144389895-C-T. GRCh37 (hg19) VCF-style: chr2-145147462-C-T.
Other names: p.S1067S:TCG>TCA; c.3129G>A, p.Ser1043= (NM_001171653.2).
Identifiers: ClinVar variation 181718 (VCV000181718.8), dbSNP rs730881180, ClinGen allele CA297572.